The following is an entry in ClinVar:

NM_004168.4(SDHA):c.1020A>G (p.Arg340=)

Gene: SDHA (succinate dehydrogenase complex flavoprotein subunit A; plus strand). Cytogenetic location: 5p15.33.
Variant type: single nucleotide variant.
Coding change: c.1020A>G on transcript NM_004168.4 (MANE Select); coding-DNA position 1020, A replaced by G.
Protein change: p.Arg340=; no amino-acid change (arginine 340 retained).
Molecular consequence: synonymous variant.
Genome position (GRCh38, 1-based): chr5:233,601, A>G. VCF-style: chr5-233601-A-G. GRCh37 (hg19) VCF-style: chr5-233716-A-G.
Other names: c.876A>G, p.Arg292= (NM_001294332.2); c.1020A>G, p.Arg340= (NM_001330758.2).
Identifiers: ClinVar variation 1590126 (VCV001590126.9), dbSNP rs2126577996, ClinGen allele CA442691716.

ClinVar aggregate classification (germline): Benign/Likely benign. Review status: criteria provided, multiple submitters, no conflicts (2 of 4 stars). 2 submissions from 2 submitters: Benign (1); Likely benign (1). Last evaluated 2025-10-26.

Conditions:
Pheochromocytoma/paraganglioma syndrome 5. Also called: Paragangliomas 5; SDHA-Related Hereditary Paraganglioma-Pheochromocytoma Syndrome. Identifiers: Orphanet 29072, MedGen C3279992, MONDO:0013602, OMIM 614165.
Mitochondrial complex II deficiency, nuclear type 1. Also called: SUCCINATE CoQ REDUCTASE DEFICIENCY. Identifiers: Orphanet 3208, MedGen C5700310, MONDO:0100294, OMIM 252011.

Submissions (2):

Labcorp Genetics (formerly Invitae), Labcorp
Classification: Likely benign for Pheochromocytoma/paraganglioma syndrome 5; Mitochondrial complex II deficiency, nuclear type 1. Last evaluated: 2025-10-26. Review status: criteria provided, single submitter. Criteria: Invitae Variant Classification Sherloc (09022015). Collection method: clinical testing. Allele origin: germline.

Myriad Genetics, Inc.
Classification: Benign for Pheochromocytoma/paraganglioma syndrome 5. Last evaluated: 2025-03-07. Review status: criteria provided, single submitter. Criteria: Myriad Autosomal Dominant, Autosomal Recessive and X-Linked Classification Criteria (2023). Collection method: clinical testing. Allele origin: unknown.
Comment: This variant is considered benign. This variant is a silent/synonymous amino acid change and it is not expected to impact splicing.